The following is an entry in ClinVar:

NM_001042492.3(NF1):c.3122T>A (p.Met1041Lys)

Gene: NF1 (neurofibromin 1; plus strand). Cytogenetic location: 17q11.2.
Variant type: single nucleotide variant.
Coding change: c.3122T>A on transcript NM_001042492.3 (MANE Select); coding-DNA position 3122, T replaced by A.
Protein change: p.Met1041Lys; replaces methionine 1041 with lysine.
Molecular consequence: missense variant.
Genome position (GRCh38, 1-based): chr17:31,230,850, T>A. VCF-style: chr17-31230850-T-A. GRCh37 (hg19) VCF-style: chr17-29557868-T-A.
Other names: c.3122T>A, p.Met1041Lys (NM_000267.4); short protein forms M1041K.
Identifiers: ClinVar variation 1353402 (VCV001353402.8), dbSNP rs2151432359, ClinGen allele CA398987872.
Genomic context (GRCh38, chr17:31,230,850, plus strand): 5'-TGTGGCTTCAAAAACATTGTTTGCTGTTTCTCTTTTCTCCACCATTCTATAGGAATAAGA[T>A]GGTAGAATACCTGACAGACTGGGTTATGGGAACATCAAACCAAGCAGCAGATGATGATGT-3'
Protein context (NP_001035957.1, residues 1031-1051): FCQEMKFRNK[Met1041Lys]VEYLTDWVMG

ClinVar aggregate classification (germline): Uncertain significance. Review status: criteria provided, multiple submitters, no conflicts (2 of 4 stars). 2 submissions from 2 submitters: Uncertain significance (2). Last evaluated 2022-02-22.

Conditions:
Hereditary cancer-predisposing syndrome. Also called: Hereditary Cancer Syndrome; Hereditary neoplastic syndrome; Tumor predisposition; Neoplastic Syndromes, Hereditary. Identifiers: Orphanet 140162, MedGen C0027672, MeSH D009386, MONDO:0015356.
Cardiovascular phenotype. Identifiers: MedGen CN230736.
Neurofibromatosis, type 1 (NF1). Also called: NEUROFIBROMATOSIS, TYPE I, SOMATIC; VON RECKLINGHAUSEN DISEASE; Neurofibromatosis, type I; Peripheral type neurofibromatosis. Identifiers: Orphanet 636, MedGen C0027831, MONDO:0018975, OMIM 162200. Disease mechanism: loss of function.

Submissions (2):

Ambry Genetics
Classification: Uncertain significance for Cardiovascular phenotype; Hereditary cancer-predisposing syndrome. Last evaluated: 2022-02-22. Review status: criteria provided, single submitter. Criteria: Ambry Variant Classification Scheme 2023. Collection method: clinical testing. Allele origin: germline.
Comment: The p.M1041K variant (also known as c.3122T>A), located in coding exon 24 of the NF1 gene, results from a T to A substitution at nucleotide position 3122. The methionine at codon 1041 is replaced by lysine, an amino acid with similar properties. This amino acid position is highly conserved in available vertebrate species. In addition, the in silico prediction for this alteration is inconclusive. Since supporting evidence is limited at this time, the clinical significance of this alteration remains unclear.

Labcorp Genetics (formerly Invitae), Labcorp
Classification: Uncertain significance for Neurofibromatosis, type 1. Last evaluated: 2021-08-30. Review status: criteria provided, single submitter. Criteria: Invitae Variant Classification Sherloc (09022015). Collection method: clinical testing. Allele origin: germline.
Comment: This sequence change replaces methionine with lysine at codon 1041 of the NF1 protein (p.Met1041Lys). The methionine residue is moderately conserved and there is a moderate physicochemical difference between methionine and lysine. This variant is not present in population databases (ExAC no frequency). This variant has not been reported in the literature in individuals affected with NF1-related conditions. Advanced modeling of protein sequence and biophysical properties (such as structural, functional, and spatial information, amino acid conservation, physicochemical variation, residue mobility, and thermodynamic stability) performed at Invitae indicates that this missense variant is expected to disrupt NF1 protein function. In summary, the available evidence is currently insufficient to determine the role of this variant in disease. Therefore, it has been classified as a Variant of Uncertain Significance.